The following is an entry in ClinVar:

ClinVar aggregate classification (germline): Pathogenic (1 of 4 stars; one submission).

Conditions:
Charcot-Marie-Tooth disease, type I (CMT1). Also called: Charcot-Marie-Tooth disease type 1; Charcot-Marie-Tooth, Type 1. Identifiers: Orphanet 65753, MedGen C0751036, MONDO:0019011.

Submission:

Labcorp Genetics (formerly Invitae), Labcorp
Classification: Pathogenic for Charcot-Marie-Tooth disease, type I. Last evaluated: 2020-10-07. Review status: criteria provided, single submitter. Criteria: Invitae Variant Classification Sherloc (09022015). Collection method: clinical testing. Allele origin: germline.
Comment: This variant is a gross duplication of the genomic region encompassing exons 2-5 of the PMP22 gene. This assay only includes exons 2-5 of PMP22, which covers the entire coding sequence. Therefore, it is assumed that the entire gene is duplicated. Duplications of the region on chromosome 17p11.2 which contain the PMP22 gene cause Charcot-Marie-Tooth type 1A (CMT1A) (PMID: 1677316, 1822787). These reported duplications have been shown to lead to increased gene dosage as the functional defect in patients with CMT1A (PMID: 1303230). For these reasons, this variant has been classified as Pathogenic.

Literature cited by the submitters: PubMed 1677316; PubMed 1822787; PubMed 1303230.

NC_000017.10:g.(?_15134214)_(15164064_?)dup

Gene: PMP22 (peripheral myelin protein 22; minus strand). Cytogenetic location: 17p12.
Variant type: Duplication.
Identifiers: ClinVar variation 1070720 (VCV001070720.1).